The following is an entry in ClinVar:

ClinVar aggregate classification (germline): Benign. Review status: criteria provided, multiple submitters, no conflicts (2 of 4 stars). 2 submissions from 2 submitters: Benign (2). Last evaluated 2025-08-07.

Allele frequency attached by ClinVar (database versions not stated): 1000 Genomes Project 0.00240; gnomAD 0.00001 and 0.00027; TOPMed 0.00005; gnomAD exomes 0.00044 and 0.00089; ExAC 0.00098; 1000 Genomes Project 30x 0.00203.

Submissions (2):

Labcorp Genetics (formerly Invitae), Labcorp
Classification: Benign. Last evaluated: 2025-08-07. Review status: criteria provided, single submitter. Criteria: Invitae Variant Classification Sherloc (09022015). Collection method: clinical testing. Allele origin: germline.

Women's Health and Genetics/Laboratory Corporation of America, LabCorp
Classification: Benign. Last evaluated: 2017-07-19. Review status: criteria provided, single submitter. Criteria: LabCorp Variant Classification Summary - May 2015. Collection method: clinical testing. Allele origin: germline.
Comment: Variant summary: The APOA5 c.764A>G (p.Glu255Gly) variant involves the alteration of a non-conserved nucleotide. 2/3 in silico tools predict a damaging outcome for this variant (SNPsandGO not captured due to low reliability index). This variant was found in 114/116260 control chromosomes, predominantly observed in the South Asian subpopulation at a frequency of 0.00693 (114/16450). This frequency is about 104 times the estimated maximal expected allele frequency of a pathogenic APOA5 variant (0.0000667), suggesting this is likely a benign polymorphism found primarily in the populations of South Asian origin. It has also been reported in 10/508 type 2 diabetes Asian patients in the same study, one of whom also carried the APOA5 -1131T>C rare allele. Fasting lipid levels were available in 9 E255G carriers and their mean TG levels were 1.64+/-0.48 mmol/L, which did not differ significantly from the non-carriers. Taken together, this variant is classified as benign.

NM_001371904.1(APOA5):c.764A>G (p.Glu255Gly)

Gene: APOA5 (apolipoprotein A5; minus strand). Cytogenetic location: 11q23.3.
Variant type: single nucleotide variant.
Coding change: c.764A>G on transcript NM_001371904.1 (MANE Select); coding-DNA position 764, A replaced by G.
Protein change: p.Glu255Gly; replaces glutamic acid 255 with glycine.
Molecular consequence: missense variant.
Genome position (GRCh38, 1-based): chr11:116,790,465, T>C on the plus strand (A>G on the coding strand, the complement: APOA5 is on the minus strand). VCF-style: chr11-116790465-T-C. GRCh37 (hg19) VCF-style: chr11-116661181-T-C.
Other names: c.764A>G, p.Glu255Gly (NM_001166598.2, NM_052968.5); short protein forms E255G.
Identifiers: ClinVar variation 496498 (VCV000496498.10), dbSNP rs543375884, ClinGen allele CA6288998.